The following is an entry in ClinVar:

ClinVar aggregate classification (germline): Benign (1 of 4 stars; one submission).

Conditions:
Leigh syndrome (NULS). Also called: Leigh's necrotizing encephalopathy; Leigh's disease; Leigh's syndrome; LEIGH SYNDROME, NUCLEAR; Leigh Syndrome (mtDNA deletion); Leigh Disease. Identifiers: Orphanet 506, MedGen C2931891, MONDO:0009723, OMIM 256000.

Submission:

Wong Mito Lab, Molecular and Human Genetics, Baylor College of Medicine
Classification: Benign for Leigh syndrome. Last evaluated: 2019-10-17. Review status: criteria provided, single submitter. Criteria: Modified ACMG Guidelines (Unpublished). Collection method: clinical testing. Allele origin: germline.
Comment: The NC_012920.1:m.14280A>G (YP_003024037.1:p.Ser132Pro) variant in MTND6 gene is interpretated to be a Benign variant based on the modified ACMG guidelines (unpublished). This variant meets the following evidence codes: BS1, BS2, BP4

NC_012920.1(MT-ND6):m.14280A>G

Gene: MT-ND6 (mitochondrially encoded NADH dehydrogenase 6; minus strand).
Variant type: single nucleotide variant.
Genome position: chrM-14280-A-G.
Identifiers: ClinVar variation 693702 (VCV000693702.1), dbSNP rs1603224649, ClinGen allele CA414821732.